The following is an entry in ClinVar:

ClinVar aggregate classification (germline): Uncertain significance (1 of 4 stars; one submission).

Submission:

Ambry Genetics
Classification: Uncertain significance. Last evaluated: 2026-09-11. Review status: criteria provided, single submitter. Criteria: Ambry Variant Classification Scheme 2023. Collection method: clinical testing. Allele origin: germline.
Comment: The p.W13* variant (also known as c.39G>A), located in coding exon 1 of the RNF43 gene, results from a G to A substitution at nucleotide position 39. This changes the amino acid from a tryptophan to a stop codon within coding exon 1. The evidence for this gene-disease relationship is limited; therefore, the clinical significance of this variant is unclear.

NM_017763.6(RNF43):c.39G>A (p.Trp13Ter)

Gene: RNF43 (ring finger protein 43; minus strand). Cytogenetic location: 17q22.
Variant type: single nucleotide variant.
Coding change: c.39G>A on transcript NM_017763.6 (MANE Select); coding-DNA position 39, G replaced by A.
Protein change: p.Trp13Ter; replaces tryptophan 13 with a stop codon.
Molecular consequence: nonsense. On other transcripts: intron variant (1).
Genome position (GRCh38, 1-based): chr17:58,415,539, C>T on the plus strand (G>A on the coding strand, the complement: RNF43 is on the minus strand). VCF-style: chr17-58415539-C-T. GRCh37 (hg19) VCF-style: chr17-56492900-C-T.
Other names: c.39G>A, p.Trp13Ter (NM_001305544.3, NM_001438820.1, NM_001438821.1 and 1 more transcripts); c.-130+1478G>A (NM_001437987.1); short protein forms W13*.
Identifiers: ClinVar variation 5028372 (VCV005028372.1).